The following is an entry in ClinVar:

NM_000038.6(APC):c.6457G>A (p.Asp2153Asn)

Gene: APC (APC regulator of Wnt signaling pathway; plus strand). Cytogenetic location: 5q22.2.
Variant type: single nucleotide variant.
Coding change: c.6457G>A on transcript NM_000038.6 (MANE Select); coding-DNA position 6457, G replaced by A.
Protein change: p.Asp2153Asn; replaces aspartic acid 2153 with asparagine.
Molecular consequence: missense variant.
Genome position (GRCh38, 1-based): chr5:112,842,051, G>A. VCF-style: chr5-112842051-G-A. GRCh37 (hg19) VCF-style: chr5-112177748-G-A.
Other names: c.6457G>A, p.Asp2153Asn (NM_001127510.3, NM_001354895.2); c.6403G>A, p.Asp2135Asn (NM_001127511.3); c.6511G>A, p.Asp2171Asn (NM_001354896.2); c.6487G>A, p.Asp2163Asn (NM_001354897.2); c.6382G>A, p.Asp2128Asn (NM_001354898.2); c.6373G>A, p.Asp2125Asn (NM_001354899.2); c.6334G>A, p.Asp2112Asn (NM_001354900.2); c.6280G>A, p.Asp2094Asn (NM_001354901.2); and 5 more; short protein forms D1993N, D2153N, D2163N, D2171N, D1870N, D2052N, D2062N, D2027N.
Identifiers: ClinVar variation 841076 (VCV000841076.11), dbSNP rs1196287183, ClinGen allele CA16035456.
Genomic context (GRCh38, chr5:112,842,051, plus strand): 5'-GATTCCATCCTTTCCCTGAAATCAGGAATCTCTCTGGGATCACCATTTCATCTTACACCT[G>A]ATCAAGAAGAAAAACCCTTTACAAGTAATAAAGGCCCACGAATTCTAAAACCAGGGGAGA-3'
Protein context (NP_000029.2, residues 2143-2163): SLGSPFHLTP[Asp2153Asn]QEEKPFTSNK

ClinVar aggregate classification (germline): Uncertain significance. Review status: criteria provided, multiple submitters, no conflicts (2 of 4 stars). 2 submissions from 2 submitters: Uncertain significance (2). Last evaluated 2025-08-29.

Conditions:
Familial adenomatous polyposis 1 (FAP1). Also called: FAMILIAL ADENOMATOUS POLYPOSIS 1, ATTENUATED; POLYPOSIS, ADENOMATOUS INTESTINAL. Identifiers: MedGen C2713442, MONDO:0021056, OMIM 175100. Disease mechanism: loss of function.
Hereditary cancer-predisposing syndrome. Also called: Hereditary Cancer Syndrome; Hereditary neoplastic syndrome; Tumor predisposition; Neoplastic Syndromes, Hereditary. Identifiers: Orphanet 140162, MedGen C0027672, MeSH D009386, MONDO:0015356.

Submissions (2):

Labcorp Genetics (formerly Invitae), Labcorp
Classification: Uncertain significance for Familial adenomatous polyposis 1. Last evaluated: 2025-08-29. Review status: criteria provided, single submitter. Criteria: Invitae Variant Classification Sherloc (09022015). Collection method: clinical testing. Allele origin: germline.
Comment: This sequence change replaces aspartic acid, which is acidic and polar, with asparagine, which is neutral and polar, at codon 2153 of the APC protein (p.Asp2153Asn). This variant is not present in population databases (gnomAD no frequency). This variant has not been reported in the literature in individuals affected with APC-related conditions. ClinVar contains an entry for this variant (Variation ID: 841076). Invitae Evidence Modeling of protein sequence and biophysical properties (such as structural, functional, and spatial information, amino acid conservation, physicochemical variation, residue mobility, and thermodynamic stability) indicates that this missense variant is not expected to disrupt APC protein function with a negative predictive value of 95%. In summary, the available evidence is currently insufficient to determine the role of this variant in disease. Therefore, it has been classified as a Variant of Uncertain Significance.

Ambry Genetics
Classification: Uncertain significance for Hereditary cancer-predisposing syndrome. Last evaluated: 2020-10-27. Review status: criteria provided, single submitter. Criteria: Ambry Variant Classification Scheme 2023. Collection method: clinical testing. Allele origin: germline.
Comment: The p.D2153N variant (also known as c.6457G>A), located in coding exon 15 of the APC gene, results from a G to A substitution at nucleotide position 6457. The aspartic acid at codon 2153 is replaced by asparagine, an amino acid with highly similar properties. This amino acid position is well conserved in available vertebrate species. In addition, in silico predictors for this gene do not accurately predict pathogenicity. Since supporting evidence is limited at this time, the clinical significance of this alteration remains unclear.